The following is an entry in ClinVar:

ClinVar aggregate classification (germline): Likely benign. Review status: criteria provided, multiple submitters, no conflicts (2 of 4 stars). 3 submissions from 3 submitters: Likely benign (3). Last evaluated 2026-01-10.

Conditions:
Hereditary cancer-predisposing syndrome. Also called: Neoplastic Syndromes, Hereditary; Tumor predisposition; Hereditary neoplastic syndrome; Hereditary Cancer Syndrome. Identifiers: Orphanet 140162, MedGen C0027672, MeSH D009386, MONDO:0015356.
Hereditary breast ovarian cancer syndrome. Also called: Hereditary breast and ovarian cancer syndrome; Hereditary breast and ovarian cancer; Hereditary breast and ovarian cancer syndrome (HBOC); Breast and ovarian cancer; Hereditary breast and/or ovarian cancer syndrome; BRCA1- and BRCA2-Associated Hereditary Breast and Ovarian Cancer. Identifiers: Orphanet 145, MedGen C0677776, MeSH D061325, MONDO:0003582. Disease mechanism: loss of function.
Breast-ovarian cancer, familial, susceptibility to, 1 (BROVCA1). Also called: OVARIAN CANCER, SUSCEPTIBILITY TO; BRCA1 Hereditary Breast and Ovarian Cancer. Identifiers: Orphanet 145, MedGen C2676676, MONDO:0011450, OMIM 604370. Disease mechanism: loss of function.

Submissions (3):

Labcorp Genetics (formerly Invitae), Labcorp
Classification: Likely benign for Hereditary breast ovarian cancer syndrome. Last evaluated: 2026-01-10. Review status: criteria provided, single submitter. Criteria: Invitae Variant Classification Sherloc (09022015). Collection method: clinical testing. Allele origin: germline.

All of Us Research Program, National Institutes of Health
Classification: Likely benign for Breast-ovarian cancer, familial, susceptibility to, 1. Last evaluated: 2023-06-15. Review status: criteria provided, single submitter. Criteria: ACMG Guidelines, 2015. Collection method: clinical testing. Allele origin: germline. Inheritance: Autosomal dominant inheritance. Observed: 2 variant alleles, 2 heterozygotes.
Comment: This study involves interpretation of variants in research participants for the purpose of population health screening. Participant phenotype was not available at the time of variant classification. Additional details can be found in publication PMID: 35346344, PMCID: PMC8962531

Ambry Genetics
Classification: Likely benign for Hereditary cancer-predisposing syndrome. Last evaluated: 2021-11-01. Review status: criteria provided, single submitter. Criteria: Ambry Variant Classification Scheme 2023. Collection method: clinical testing. Allele origin: germline.

NM_007294.4(BRCA1):c.3102T>C (p.Asn1034=)

Gene: BRCA1 (BRCA1 DNA repair associated; minus strand). Cytogenetic location: 17q21.31.
Variant type: single nucleotide variant.
Coding change: c.3102T>C on transcript NM_007294.4 (MANE Select); coding-DNA position 3102, T replaced by C.
Protein change: p.Asn1034=; no amino-acid change (asparagine 1034 retained).
Molecular consequence: synonymous variant. On other transcripts: intron variant (137).
Genome position (GRCh38, 1-based): chr17:43,092,429, A>G on the plus strand (T>C on the coding strand, the complement: BRCA1 is on the minus strand). VCF-style: chr17-43092429-A-G. GRCh37 (hg19) VCF-style: chr17-41244446-A-G.
Other names: c.2889T>C, p.Asn963= (NM_001407571.1, NM_001407853.1, NM_001407894.1 and 9 more transcripts); c.3102T>C, p.Asn1034= (NM_001407581.1, NM_001407582.1, NM_001407583.1 and 30 more transcripts); c.3099T>C, p.Asn1033= (NM_001407587.1, NM_001407590.1, NM_001407591.1 and 22 more transcripts); c.3093T>C, p.Asn1031= (NM_001407646.1, NM_001407647.1); c.2979T>C, p.Asn993= (NM_001407648.1, NM_001407664.1, NM_001407665.1 and 19 more transcripts); c.2976T>C, p.Asn992= (NM_001407649.1, NM_001407670.1, NM_001407671.1 and 11 more transcripts); c.3024T>C, p.Asn1008= (NM_001407653.1, NM_001407654.1, NM_001407655.1 and 4 more transcripts); c.3021T>C, p.Asn1007= (NM_001407659.1, NM_001407660.1, NM_001407661.1 and 1 more transcripts); and 41 more.
Identifiers: ClinVar variation 1727663 (VCV001727663.6), dbSNP rs1450265504, ClinGen allele CA500232274.